The following is an entry in ClinVar:

NM_032242.4(PLXNA1):c.2340C>A (p.Ser780Arg)

Gene: PLXNA1 (plexin A1; plus strand). Cytogenetic location: 3q21.3.
Variant type: single nucleotide variant.
Coding change: c.2340C>A on transcript NM_032242.4 (MANE Select); coding-DNA position 2340, C replaced by A.
Protein change: p.Ser780Arg; replaces serine 780 with arginine.
Molecular consequence: missense variant.
Genome position (GRCh38, 1-based): chr3:127,014,046, C>A. VCF-style: chr3-127014046-C-A. GRCh37 (hg19) VCF-style: chr3-126732889-C-A.
Other names: short protein forms S780R.
Identifiers: ClinVar variation 4856877 (VCV004856877.2).
Genomic context (GRCh38, chr3:127,014,046, plus strand): 5'-AGCTGGGAAGCCTGACGGTGCCATCACCTAACAGTACTCCTACGAGGGGAACGATGTCAG[C>A]GACCTGCCAGTGAACCTGTCAGTCGTGTGGAACGGCAACTTTGTCATTGACAACCCACAG-3'
Protein context (NP_115618.3, residues 770-790): SSYSYEGNDV[Ser780Arg]DLPVNLSVVW

ClinVar aggregate classification (germline): Uncertain significance (1 of 4 stars; one submission).

gnomAD v4.1: 1 of 1,613,860 alleles (0.000062%); highest among the groups gnomAD compares: Non-Finnish European, 0.000085%; no homozygotes.

Submission:

Dasa
Classification: Uncertain significance. Last evaluated: 2025-08-22. Review status: criteria provided, single submitter. Criteria: DASA Assertion Criteria. Collection method: clinical testing. Allele origin: germline.
Comment: NM_032242.4(PLXNA1):c.2340C>A (p.Ser780Arg) is a missense variant that results in the substitution of serine with arginine. This variant is rare in population databases. The currently available literature and clinical evidence are not sufficient to establish a definitive association between this variant and the reported condition. Therefore, this variant is classified as a variant of uncertain significance.